The following is an entry in ClinVar:

ClinVar aggregate classification (germline): Likely pathogenic (1 of 4 stars; one submission).

Conditions:
Short-rib thoracic dysplasia 14 with polydactyly (SRTD14). Identifiers: Orphanet 397715, MedGen C4225286, MONDO:0014688, OMIM 616546.
Joubert syndrome 23 (JBTS23). Identifiers: Orphanet 475, MedGen C4084822, MONDO:0014664, OMIM 616490.

Allele frequency attached by ClinVar (database versions not stated): gnomAD exomes below 0.00001.
gnomAD v4.1: 1 of 1,261,878 alleles (0.000079%); highest among the groups gnomAD compares: Non-Finnish European, 0.00011%; no homozygotes.

Submission:

Labcorp Genetics (formerly Invitae), Labcorp
Classification: Likely pathogenic for Joubert syndrome 23; Short-rib thoracic dysplasia 14 with polydactyly. Last evaluated: 2022-11-16. Review status: criteria provided, single submitter. Criteria: Invitae Variant Classification Sherloc (09022015). Collection method: clinical testing. Allele origin: germline.
Comment: In summary, the currently available evidence indicates that the variant is pathogenic, but additional data are needed to prove that conclusively. Therefore, this variant has been classified as Likely Pathogenic. Algorithms developed to predict the effect of sequence changes on RNA splicing suggest that this variant may disrupt the consensus splice site. This sequence change affects an acceptor splice site in intron 10 of the KIAA0586 gene. It is expected to disrupt RNA splicing. Variants that disrupt the donor or acceptor splice site typically lead to a loss of protein function (PMID: 16199547), and loss-of-function variants in KIAA0586 are known to be pathogenic (PMID: 26096313, 26166481, 26386044). This variant is not present in population databases (gnomAD no frequency). This variant has not been reported in the literature in individuals affected with KIAA0586-related conditions.

Literature cited by the submitters: PubMed 16199547; PubMed 26096313; PubMed 26166481; PubMed 26386044.

NM_001329943.3(KIAA0586):c.1130-2A>G

Gene: KIAA0586 (KIAA0586; plus strand). Cytogenetic location: 14q23.1.
Variant type: single nucleotide variant.
Coding change: c.1130-2A>G on transcript NM_001329943.3 (MANE Select); the canonical splice acceptor site of the intron before coding-DNA position 1130, A replaced by G.
Molecular consequence: splice acceptor variant.
Genome position (GRCh38, 1-based): chr14:58,453,348, A>G. VCF-style: chr14-58453348-A-G. GRCh37 (hg19) VCF-style: chr14-58920066-A-G.
Other names: c.1289-2A>G (NM_001244189.2); c.1085-2A>G (NM_001244190.2); c.998-2A>G (NM_001244192.2); c.875-2A>G (NM_001244191.2, NM_001364701.2, NM_001329945.2 and 1 more transcripts); c.1130-2A>G (NM_001329944.2, NM_001329946.2, NM_001329947.2 and 1 more transcripts); c.710-2A>G (NM_001244193.2).
Identifiers: ClinVar variation 2935424 (VCV002935424.3), dbSNP rs2543001967, ClinGen allele CA389866490.